The following is an entry in ClinVar:

NM_000414.4(HSD17B4):c.728G>A (p.Trp243Ter)

Gene: HSD17B4 (hydroxysteroid 17-beta dehydrogenase 4; plus strand). Cytogenetic location: 5q23.1.
Variant type: single nucleotide variant.
Coding change: c.728G>A on transcript NM_000414.4 (MANE Select); coding-DNA position 728, G replaced by A.
Protein change: p.Trp243Ter; replaces tryptophan 243 with a stop codon.
Molecular consequence: nonsense. On other transcripts: non-coding transcript variant (2).
Genome position (GRCh38, 1-based): chr5:119,492,113, G>A. VCF-style: chr5-119492113-G-A. GRCh37 (hg19) VCF-style: chr5-118827808-G-A.
Other names: c.803G>A, p.Trp268Ter (NM_001199291.3); c.674G>A, p.Trp225Ter (NM_001199292.2); c.656G>A, p.Trp219Ter (NM_001292027.2); c.308G>A, p.Trp103Ter (NM_001292028.2); c.719G>A, p.Trp240Ter (NM_001374497.1); c.728G>A, p.Trp243Ter (NM_001374498.1); c.401G>A, p.Trp134Ter (NM_001374499.1); c.287G>A, p.Trp96Ter (NM_001374500.1); and 1 more; short protein forms W225*, W243*, W103*, W134*, W106*, W96*, W219*, W240*.
Identifiers: ClinVar variation 1459060 (VCV001459060.6), dbSNP rs2126751711, ClinGen allele CA360867104.
Genomic context (GRCh38, chr5:119,492,113, plus strand): 5'-GTGATTTCACATTAGATGGTATAATGTTTTCCCCCTCTTTTTGGTAGGTTGGAGCAGGAT[G>A]GATTGGAAAATGTAAGTCTCTCTCAGTTTTTGGTTTGTATAGATTATTTCCTTATCTTTA-3'

ClinVar aggregate classification (germline): Pathogenic (1 of 4 stars; one submission).

Conditions:
Bifunctional peroxisomal enzyme deficiency (DBIF). Also called: DBP DEFICIENCY; PBFE DEFICIENCY; D-bifunctional protein deficiency. Identifiers: Orphanet 300, MedGen C0342870, MONDO:0009855, OMIM 261515. Disease mechanism: loss of function.
Perrault syndrome. Also called: Gonadal dysgenesis with auditory dysfunction, autosomal recessive inheritance. Identifiers: Orphanet 2855, MedGen C0685838, MONDO:0017312.

Allele frequency attached by ClinVar (database versions not stated): gnomAD exomes below 0.00001.
gnomAD v4.1: 1 of 1,607,476 alleles (0.000062%); highest among the groups gnomAD compares: South Asian, 0.0011%; no homozygotes.

Submission:

Labcorp Genetics (formerly Invitae), Labcorp
Classification: Pathogenic for Perrault syndrome; Bifunctional peroxisomal enzyme deficiency. Last evaluated: 2021-06-19. Review status: criteria provided, single submitter. Criteria: Invitae Variant Classification Sherloc (09022015). Collection method: clinical testing. Allele origin: germline.
Comment: For these reasons, this variant has been classified as Pathogenic. This variant has not been reported in the literature in individuals with HSD17B4-related conditions. This variant is not present in population databases (ExAC no frequency). This sequence change creates a premature translational stop signal (p.Trp243*) in the HSD17B4 gene. It is expected to result in an absent or disrupted protein product. Loss-of-function variants in HSD17B4 are known to be pathogenic (PMID: 11810648, 16385454).

Literature cited by the submitters: PubMed 11810648; PubMed 16385454.